The following is an entry in ClinVar:

ClinVar aggregate classification (germline): Conflicting classifications of pathogenicity. Review status: criteria provided, conflicting classifications (1 of 4 stars). 3 submissions from 3 submitters: Uncertain significance (2); Likely benign (1). Last evaluated 2025-08-01.

Allele frequency attached by ClinVar (database versions not stated): 1000 Genomes Project 30x 0.00016; 1000 Genomes Project 0.00020; ESP Exome Variant Server 0.00046; TOPMed 0.00054; gnomAD 0.00060.
gnomAD v4.1: 1,714 of 1,614,154 alleles (0.11%); highest among the groups gnomAD compares: Non-Finnish European, 0.14%; 1 homozygote.

Submissions (3):

CeGaT Center for Human Genetics Tuebingen
Classification: Likely benign. Last evaluated: 2025-08-01. Review status: criteria provided, single submitter. Criteria: CeGaT Center For Human Genetics Tuebingen Variant Classification Criteria Version 2. Collection method: clinical testing. Allele origin: germline. Affected: yes. Observed: 1 variant allele.
Comment: LTBP1: BP4

Labcorp Genetics (formerly Invitae), Labcorp
Classification: Uncertain significance. Last evaluated: 2025-03-11. Review status: criteria provided, single submitter. Criteria: Invitae Variant Classification Sherloc (09022015). Collection method: clinical testing. Allele origin: germline.
Comment: This sequence change replaces glutamine, which is neutral and polar, with histidine, which is basic and polar, at codon 1021 of the LTBP1 protein (p.Gln1021His). This variant is present in population databases (rs148622840, gnomAD 0.1%), and has an allele count higher than expected for a pathogenic variant. This variant has not been reported in the literature in individuals affected with LTBP1-related conditions. ClinVar contains an entry for this variant (Variation ID: 2296272). An algorithm developed to predict the effect of missense changes on protein structure and function outputs the following: PolyPhen-2: "Benign". The histidine amino acid residue is found in multiple mammalian species, which suggests that this missense change does not adversely affect protein function. In summary, the available evidence is currently insufficient to determine the role of this variant in disease. Therefore, it has been classified as a Variant of Uncertain Significance.

Ambry Genetics
Classification: Uncertain significance. Last evaluated: 2021-09-17. Review status: criteria provided, single submitter. Criteria: Ambry Variant Classification Scheme 2023. Collection method: clinical testing. Allele origin: germline.

NM_206943.4(LTBP1):c.3063G>T (p.Gln1021His)

Gene: LTBP1 (latent transforming growth factor beta binding protein 1; plus strand). Cytogenetic location: 2p22.3.
Variant type: single nucleotide variant.
Coding change: c.3063G>T on transcript NM_206943.4 (MANE Select); coding-DNA position 3063, G replaced by T.
Protein change: p.Gln1021His; replaces glutamine 1021 with histidine.
Molecular consequence: missense variant. On other transcripts: intron variant (2).
Genome position (GRCh38, 1-based): chr2:33,280,109, G>T. VCF-style: chr2-33280109-G-T. GRCh37 (hg19) VCF-style: chr2-33505176-G-T.
Other names: c.1926G>T, p.Gln642His (NM_001394925.1, NM_001166265.2, NM_001166266.2); c.1800G>T, p.Gln600His (NM_001394926.1, NM_001394927.1, NM_001394920.1 and 1 more transcripts); c.2014+4186G>T (NM_001394908.1); c.1729+4186G>T (NM_001394923.1); c.2085G>T, p.Gln695His (NM_000627.4, NM_001166264.2, NM_001394912.1 and 1 more transcripts); c.2904G>T, p.Gln968His (NM_001394905.1); c.2082G>T, p.Gln694His (NM_001394906.1, NM_001394910.1, NM_001394919.1); c.1998G>T, p.Gln666His (NM_001394907.1); and 6 more; short protein forms Q600H, Q667H, Q695H, Q641H, Q642H, Q652H, Q625H, Q666H.
Identifiers: ClinVar variation 2296272 (VCV002296272.11), dbSNP rs148622840, ClinGen allele CA1607609.